The following is an entry in ClinVar:

ClinVar aggregate classification (germline): Conflicting classifications of pathogenicity. Review status: criteria provided, conflicting classifications (1 of 4 stars). 2 submissions from 2 submitters: Uncertain significance (1); Likely benign (1). Last evaluated 2017-10-14.

Conditions:
Oculofaciocardiodental syndrome (MCOPS2). Identifiers: Orphanet 2712, MedGen C1846265, MONDO:0010261, OMIM 300166.

Allele frequency attached by ClinVar (database versions not stated): TOPMed below 0.00001; gnomAD 0.00001; gnomAD exomes 0.00002.
gnomAD v4.1: 17 of 1,210,449 alleles (0.0014%); highest among the groups gnomAD compares: Non-Finnish European, 0.0019%; no homozygotes.

Submissions (2):

Labcorp Genetics (formerly Invitae), Labcorp
Classification: Uncertain significance for Oculofaciocardiodental syndrome. Last evaluated: 2017-10-14. Review status: criteria provided, single submitter. Criteria: Invitae Variant Classification Sherloc (09022015). Collection method: clinical testing. Allele origin: germline.
Comment: In summary, the available evidence is currently insufficient to determine the role of this variant in disease. Therefore, it has been classified as a Variant of Uncertain Significance. Algorithms developed to predict the effect of missense changes on protein structure and function do not agree on the potential impact of this missense change (SIFT: "Deleterious"; PolyPhen-2: "Benign"; Align-GVGD: "Class C25"). This variant has not been reported in the literature in individuals with BCOR-related disease. ClinVar contains an entry for this variant (Variation ID: 377338). This variant is not present in population databases (ExAC no frequency). This sequence change replaces isoleucine with valine at codon 735 of the BCOR protein (p.Ile735Val). The isoleucine residue is highly conserved and there is a small physicochemical difference between isoleucine and valine.

Center for Pediatric Genomic Medicine, Children's Mercy Hospital and Clinics
Classification: Likely benign. Last evaluated: 2016-11-22. Review status: criteria provided, single submitter. Criteria: ACMG Guidelines, 2015. Collection method: clinical testing. Allele origin: germline.
ClinVar note: Converted during submission from Likely Benign to Likely benign.

NM_001123385.2(BCOR):c.2203A>G (p.Ile735Val)

Gene: BCOR (BCL6 corepressor; minus strand). Cytogenetic location: Xp11.4.
Variant type: single nucleotide variant.
Coding change: c.2203A>G on transcript NM_001123385.2 (MANE Select); coding-DNA position 2203, A replaced by G.
Protein change: p.Ile735Val; replaces isoleucine 735 with valine.
Molecular consequence: missense variant.
Genome position (GRCh38, 1-based): chrX:40,073,143, T>C on the plus strand (A>G on the coding strand, the complement: BCOR is on the minus strand). VCF-style: chrX-40073143-T-C. GRCh37 (hg19) VCF-style: chrX-39932396-T-C.
Other names: c.2203A>G, p.Ile735Val (NM_001123383.2, NM_001123384.2, NM_017745.6); short protein forms I735V.
Identifiers: ClinVar variation 377338 (VCV000377338.10), dbSNP rs768557634, ClinGen allele CA16603347.
Genomic context (GRCh38, chrX:40,073,143, plus strand): 5'-AACGGGCTCTCTCATGGGACCGGGATCTCCTCTCTGGTTTCTCCTCTTTAGTAATCTCTA[T>C]GGGCGTGTGTGGTATCAACATGGGATGCACCATGCCCAACCCCAGGGCATCTTGGTAGGT-3'
Protein context (NP_001116857.1, residues 725-745): VHPMLIPHTP[Ile735Val]EITKEEKPER